The following is an entry in ClinVar:

NM_006086.4(TUBB3):c.897G>T (p.Met299Ile)

Gene: TUBB3 (tubulin beta 3 class III; plus strand). Cytogenetic location: 16q24.3.
Variant type: single nucleotide variant.
Coding change: c.897G>T on transcript NM_006086.4 (MANE Select); coding-DNA position 897, G replaced by T.
Protein change: p.Met299Ile; replaces methionine 299 with isoleucine.
Molecular consequence: missense variant.
Genome position (GRCh38, 1-based): chr16:89,935,348, G>T. VCF-style: chr16-89935348-G-T. GRCh37 (hg19) VCF-style: chr16-90001756-G-T.
Other names: c.681G>T, p.Met227Ile (NM_001197181.2); c.897G>T (NM_006086.3); short protein forms M227I, M299I.
Identifiers: ClinVar variation 2015178 (VCV002015178.5), dbSNP rs2544627839, ClinGen allele CA397475803.

ClinVar aggregate classification (germline): Uncertain significance. Review status: criteria provided, multiple submitters, no conflicts (2 of 4 stars). 2 submissions from 2 submitters: Uncertain significance (2). Last evaluated 2026-03-31.

Allele frequency attached by ClinVar (database versions not stated): gnomAD exomes below 0.00001.
gnomAD v4.1: 1 of 1,614,024 alleles (0.000062%); highest among the groups gnomAD compares: Admixed American, 0.0017%; no homozygotes.

Submissions (2):

GeneDx
Classification: Uncertain significance. Last evaluated: 2026-03-31. Review status: criteria provided, single submitter. Criteria: GeneDx Variant Classification Process June 2021. Collection method: clinical testing. Allele origin: germline.
Comment: Not observed at significant frequency in large population cohorts (gnomAD); Missense variants in this gene are a common cause of disease and they are underrepresented in the general population; In silico analysis supports that this missense variant has a deleterious effect on protein structure/function; Has not been previously published as pathogenic or benign to our knowledge; This variant is associated with the following publications: (PMID: 20829227)

Labcorp Genetics (formerly Invitae), Labcorp
Classification: Uncertain significance. Last evaluated: 2024-10-16. Review status: criteria provided, single submitter. Criteria: Invitae Variant Classification Sherloc (09022015). Collection method: clinical testing. Allele origin: germline.
Comment: This sequence change replaces methionine, which is neutral and non-polar, with isoleucine, which is neutral and non-polar, at codon 299 of the TUBB3 protein (p.Met299Ile). This variant is not present in population databases (gnomAD no frequency). This variant has not been reported in the literature in individuals affected with TUBB3-related conditions. ClinVar contains an entry for this variant (Variation ID: 2015178). Invitae Evidence Modeling of protein sequence and biophysical properties (such as structural, functional, and spatial information, amino acid conservation, physicochemical variation, residue mobility, and thermodynamic stability) indicates that this missense variant is not expected to disrupt TUBB3 protein function with a negative predictive value of 80%. In summary, the available evidence is currently insufficient to determine the role of this variant in disease. Therefore, it has been classified as a Variant of Uncertain Significance.